The following is an entry in ClinVar:

ClinVar aggregate classification (germline): Pathogenic/Likely pathogenic. Review status: criteria provided, multiple submitters, no conflicts (2 of 4 stars). 2 submissions from 2 submitters: Pathogenic (1); Likely pathogenic (1). Last evaluated 2023-08-16.

Conditions:
Hyperinsulinemic hypoglycemia, familial, 1 (HHF1). Also called: HYPERINSULINISM, FAMILIAL, WITH PANCREATIC NESIDIOBLASTOSIS; HYPOGLYCEMIA, HYPERINSULINEMIC, OF INFANCY; Persistent Hyperinsulinemia Hypoglycemia of Infancy; NESIDIOBLASTOSIS OF PANCREAS; Persistent hyperinsulinemic hypoglycemia of infancy. Identifiers: Orphanet 276575, Orphanet 276598, MedGen C2931832, MONDO:0009734, OMIM 256450.

Allele frequency attached by ClinVar (database versions not stated): gnomAD exomes below 0.00001.
gnomAD v4.1: 3 of 1,614,154 alleles (0.00019%); highest among the groups gnomAD compares: Non-Finnish European, 0.00025%; no homozygotes.

Submissions (2):

Broad Center for Mendelian Genomics, Broad Institute of MIT and Harvard
Classification: Likely pathogenic for Hyperinsulinemic hypoglycemia, familial, 1. Last evaluated: 2023-08-16. Review status: criteria provided, single submitter. Criteria: ACMG Guidelines, 2015. Collection method: curation. Allele origin: germline. Inheritance: Autosomal recessive inheritance.
Comment: The p.Trp430Ter variant in ABCC8 has been reported in 1 individual with hyperinsulinemic hypoglycemia (PMID: 36239000), and has been identified in 0.003% (1/34592) of Latino/Admixed American chromosomes by the Genome Aggregation Database (gnomAD; dbSNP ID: rs767500007). Although this variant has been seen in the general population in a heterozygous state, its frequency is low enough to be consistent with a recessive carrier frequency. This nonsense variant leads to a premature termination codon at position 430, which is predicted to lead to a truncated or absent protein. Loss of function of the ABCC8 gene is an established disease mechanism in autosomal recessive hyperinsulinemic hypoglycemia. In summary, although additional studies are required to fully establish its clinical significance, this variant is likely pathogenic for autosomal recessive hyperinsulinemic hypoglycemia. ACMG/AMP Criteria applied: PVS1, PM2 (Richards 2015).

GeneDx
Classification: Pathogenic. Last evaluated: 2023-06-28. Review status: criteria provided, single submitter. Criteria: GeneDx Variant Classification Process June 2021. Collection method: clinical testing. Allele origin: germline. Affected: yes.
Comment: Nonsense variant predicted to result in protein truncation or nonsense mediated decay in a gene for which loss of function is a known mechanism of disease; Not observed at significant frequency in large population cohorts (gnomAD); This variant is associated with the following publications: (PMID: 23275527, 21422196, 36239000)

NM_000352.6(ABCC8):c.1290G>A (p.Trp430Ter)

Gene: ABCC8 (ATP binding cassette subfamily C member 8; minus strand). Cytogenetic location: 11p15.1.
Variant type: single nucleotide variant.
Coding change: c.1290G>A on transcript NM_000352.6 (MANE Select); coding-DNA position 1290, G replaced by A.
Protein change: p.Trp430Ter; replaces tryptophan 430 with a stop codon.
Molecular consequence: nonsense. On other transcripts: non-coding transcript variant (1).
Genome position (GRCh38, 1-based): chr11:17,448,558, C>T on the plus strand (G>A on the coding strand, the complement: ABCC8 is on the minus strand). VCF-style: chr11-17448558-C-T. GRCh37 (hg19) VCF-style: chr11-17470105-C-T.
Other names: NM_001287174.3:c.1290G>A; c.1290G>A, p.Trp430Ter (NM_001287174.3, NM_001351295.2); c.1287G>A, p.Trp429Ter (NM_001351296.2, NM_001351297.2); c.1290G>A (NM_000352.3); short protein forms W429*, W430*.
Identifiers: ClinVar variation 2576212 (VCV002576212.2), dbSNP rs767500007, ClinGen allele CA5903624.